The following is an entry in ClinVar:

NM_015103.3(PLXND1):c.5640C>T (p.Tyr1880=)

Gene: PLXND1 (plexin D1; minus strand). Cytogenetic location: 3q22.1.
Variant type: single nucleotide variant.
Coding change: c.5640C>T on transcript NM_015103.3 (MANE Select); coding-DNA position 5640, C replaced by T.
Protein change: p.Tyr1880=; no amino-acid change (tyrosine 1880 retained).
Molecular consequence: synonymous variant.
Genome position (GRCh38, 1-based): chr3:129,556,638, G>A on the plus strand (C>T on the coding strand, the complement: PLXND1 is on the minus strand). VCF-style: chr3-129556638-G-A. GRCh37 (hg19) VCF-style: chr3-129275481-G-A.
Identifiers: ClinVar variation 3033777 (VCV003033777.2), dbSNP rs542768361, ClinGen allele CA2607771.

ClinVar aggregate classification (germline): Likely benign (0 of 4 stars; one submission).

Conditions:
PLXND1-related disorder. Also called: PLXND1-related condition.

Allele frequency attached by ClinVar (database versions not stated): ExAC 0.00001; gnomAD 0.00002; TOPMed 0.00002; gnomAD exomes 0.00005.
gnomAD v4.1: 80 of 1,612,798 alleles (0.005%); highest among the groups gnomAD compares: Non-Finnish European, 0.0068%; no homozygotes.

Submission:

PreventionGenetics, part of Exact Sciences
Classification: Likely benign for PLXND1-related condition. Last evaluated: 2019-06-11. Review status: no assertion criteria provided. Collection method: clinical testing. Allele origin: germline.
Comment: This variant is classified as likely benign based on ACMG/AMP sequence variant interpretation guidelines (Richards et al. 2015 PMID: 25741868, with internal and published modifications).